The following is an entry in ClinVar:

NM_004370.6(COL12A1):c.2663C>T (p.Ala888Val)

Gene: COL12A1 (collagen type XII alpha 1 chain; minus strand). Cytogenetic location: 6q13.
Variant type: single nucleotide variant.
Coding change: c.2663C>T on transcript NM_004370.6 (MANE Select); coding-DNA position 2663, C replaced by T.
Protein change: p.Ala888Val; replaces alanine 888 with valine.
Molecular consequence: missense variant. On other transcripts: intron variant (1).
Genome position (GRCh38, 1-based): chr6:75,175,085, G>A on the plus strand (C>T on the coding strand, the complement: COL12A1 is on the minus strand). VCF-style: chr6-75175085-G-A. GRCh37 (hg19) VCF-style: chr6-75884801-G-A.
Other names: c.74-22603C>T (NM_080645.3); short protein forms A888V.
Identifiers: ClinVar variation 645319 (VCV000645319.9), dbSNP rs777386471, ClinGen allele CA3893917.
Genomic context (GRCh38, chr6:75,175,085, plus strand): 5'-TGATGGTAATTACCTTCAAGTGTTGTTCCTTCACCAAAGAGGGCGTCTCCAGCCCCAGAC[G>A]CATACAAGGCTGTCACAGATAAGGCGTATTGTGTCCCTTCCTTCAATCCCTGCAGCACCG-3'
Protein context (NP_004361.3, residues 878-898): QYALSVTALY[Ala888Val]SGAGDALFGE

ClinVar aggregate classification (germline): Uncertain significance (1 of 4 stars; one submission).

Conditions:
Ullrich congenital muscular dystrophy 2 (UCMD2). Identifiers: Orphanet 75840, MedGen C4225314, MONDO:0014654, OMIM 616470.
Bethlem myopathy 2 (BTHLM2). Identifiers: Orphanet 536516, Orphanet 610, MedGen C4225313, MONDO:0034022, OMIM 616471.

Allele frequency attached by ClinVar (database versions not stated): TOPMed 0.00002.
gnomAD v4.1: 9 of 1,614,096 alleles (0.00056%); highest among the groups gnomAD compares: African/African-American, 0.0013%; no homozygotes.

Submission:

Labcorp Genetics (formerly Invitae), Labcorp
Classification: Uncertain significance for Bethlem myopathy 2; Ullrich congenital muscular dystrophy 2. Last evaluated: 2025-03-05. Review status: criteria provided, single submitter. Criteria: Invitae Variant Classification Sherloc (09022015). Collection method: clinical testing. Allele origin: germline.
Comment: This sequence change replaces alanine, which is neutral and non-polar, with valine, which is neutral and non-polar, at codon 888 of the COL12A1 protein (p.Ala888Val). This variant is present in population databases (rs777386471, gnomAD 0.002%). This variant has not been reported in the literature in individuals affected with COL12A1-related conditions. ClinVar contains an entry for this variant (Variation ID: 645319). Invitae Evidence Modeling of protein sequence and biophysical properties (such as structural, functional, and spatial information, amino acid conservation, physicochemical variation, residue mobility, and thermodynamic stability) indicates that this missense variant is not expected to disrupt COL12A1 protein function with a negative predictive value of 80%. In summary, the available evidence is currently insufficient to determine the role of this variant in disease. Therefore, it has been classified as a Variant of Uncertain Significance.